The following is an entry in ClinVar:

ClinVar aggregate classification (germline): Pathogenic (1 of 4 stars; one submission).

Conditions:
Developmental and epileptic encephalopathy, 11 (DEE11). Also called: Early infantile epileptic encephalopathy 11. Identifiers: Orphanet 1934, MedGen C3150987, MONDO:0013388, OMIM 613721.
Seizures, benign familial infantile, 3 (BFIS3). Also called: CONVULSIONS, BENIGN FAMILIAL INFANTILE, 3; Familial neonatal seizures. Identifiers: Orphanet 140927, Orphanet 306, MedGen C1843140, MONDO:0011904, OMIM 607745.

Submission:

Labcorp Genetics (formerly Invitae), Labcorp
Classification: Pathogenic for Seizures, benign familial infantile, 3; Developmental and epileptic encephalopathy, 11. Last evaluated: 2022-11-22. Review status: criteria provided, single submitter. Criteria: Invitae Variant Classification Sherloc (09022015). Collection method: clinical testing. Allele origin: germline.
Comment: This variant disrupts the p.Arg853 amino acid residue in SCN2A. Other variant(s) that disrupt this residue have been determined to be pathogenic (PMID: 23935176, 25772804, 28379373, 29186148). This suggests that this residue is clinically significant, and that variants that disrupt this residue are likely to be disease-causing. Advanced modeling of protein sequence and biophysical properties (such as structural, functional, and spatial information, amino acid conservation, physicochemical variation, residue mobility, and thermodynamic stability) performed at Invitae indicates that this missense variant is expected to disrupt SCN2A protein function. ClinVar contains an entry for this variant (Variation ID: 1451854). This missense change has been observed in individual(s) with clinical features of early infantile epileptic encephalopathy (Invitae). In at least one individual the variant was observed to be de novo. This variant is not present in population databases (gnomAD no frequency). This sequence change replaces arginine, which is basic and polar, with proline, which is neutral and non-polar, at codon 853 of the SCN2A protein (p.Arg853Pro). For these reasons, this variant has been classified as Pathogenic.

Literature cited by the submitters: PubMed 23935176; PubMed 25772804; PubMed 28379373; PubMed 29186148.

NM_001040142.2(SCN2A):c.2558G>C (p.Arg853Pro)

Gene: SCN2A (sodium voltage-gated channel alpha subunit 2; plus strand). Cytogenetic location: 2q24.3.
Variant type: single nucleotide variant.
Coding change: c.2558G>C on transcript NM_001040142.2 (MANE Select); coding-DNA position 2558, G replaced by C.
Protein change: p.Arg853Pro; replaces arginine 853 with proline.
Molecular consequence: missense variant.
Genome position (GRCh38, 1-based): chr2:165,342,465, G>C. VCF-style: chr2-165342465-G-C. GRCh37 (hg19) VCF-style: chr2-166198975-G-C.
Other names: c.2558G>C, p.Arg853Pro (NM_001040143.2, NM_001371246.1, NM_001371247.1 and 1 more transcripts); short protein forms R853P.
Identifiers: ClinVar variation 1451854 (VCV001451854.8), dbSNP rs794727152, ClinGen allele CA349012929.